The following is an entry in ClinVar:

NM_016734.3(PAX5):c.613G>C (p.Glu205Gln)

Gene: PAX5 (paired box 5; minus strand). Cytogenetic location: 9p13.2.
Variant type: single nucleotide variant.
Coding change: c.613G>C on transcript NM_016734.3 (MANE Select); coding-DNA position 613, G replaced by C.
Protein change: p.Glu205Gln; replaces glutamic acid 205 with glutamine.
Molecular consequence: missense variant. On other transcripts: non-coding transcript variant (2).
Genome position (GRCh38, 1-based): chr9:36,966,716, C>G on the plus strand (G>C on the coding strand, the complement: PAX5 is on the minus strand). VCF-style: chr9-36966716-C-G. GRCh37 (hg19) VCF-style: chr9-36966713-C-G.
Other names: c.613G>C, p.Glu205Gln (NM_001280547.2, NM_001280548.2, NM_001280549.2 and 2 more transcripts); c.289G>C, p.Glu97Gln (NM_001280551.2, NM_001280556.2); c.484G>C, p.Glu162Gln (NM_001280553.2, NM_001280554.2); c.415G>C, p.Glu139Gln (NM_001280555.2); short protein forms E139Q, E162Q, E205Q, E97Q.
Identifiers: ClinVar variation 3885940 (VCV003885940.1).

ClinVar aggregate classification (germline): Uncertain significance (1 of 4 stars; one submission).

Conditions:
Inborn genetic diseases. Identifiers: MedGen C0950123, MeSH D030342.

gnomAD v4.1: 1 of 1,614,016 alleles (0.000062%); no homozygotes.

Submission:

Ambry Genetics
Classification: Uncertain significance for Inborn genetic diseases. Last evaluated: 2025-02-03. Review status: criteria provided, single submitter. Criteria: Ambry Variant Classification Scheme 2023. Collection method: clinical testing. Allele origin: germline.
Comment: The p.E205Q variant (also known as c.613G>C), located in coding exon 6 of the PAX5 gene, results from a G to C substitution at nucleotide position 613. The glutamic acid at codon 205 is replaced by glutamine, an amino acid with highly similar properties. This amino acid position is conserved. In addition, the in silico prediction for this alteration is inconclusive. Based on the available evidence, the clinical significance of this variant remains unclear.